The following is an entry in ClinVar:

NM_005431.2(XRCC2):c.839G>T (p.Cys280Phe)

Gene: XRCC2 (X-ray repair cross complementing 2; minus strand). Cytogenetic location: 7q36.1.
Variant type: single nucleotide variant.
Coding change: c.839G>T on transcript NM_005431.2 (MANE Select); coding-DNA position 839, G replaced by T.
Protein change: p.Cys280Phe; replaces cysteine 280 with phenylalanine.
Molecular consequence: missense variant.
Genome position (GRCh38, 1-based): chr7:152,648,646, C>A on the plus strand (G>T on the coding strand, the complement: XRCC2 is on the minus strand). VCF-style: chr7-152648646-C-A. GRCh37 (hg19) VCF-style: chr7-152345731-C-A.
Other names: short protein forms C280F.
Identifiers: ClinVar variation 4844171 (VCV004844171.1).

ClinVar aggregate classification (germline): Uncertain significance (1 of 4 stars; one submission).

Conditions:
Hereditary cancer-predisposing syndrome. Also called: Neoplastic Syndromes, Hereditary; Tumor predisposition; Hereditary Cancer Syndrome; Hereditary neoplastic syndrome. Identifiers: Orphanet 140162, MedGen C0027672, MeSH D009386, MONDO:0015356.

gnomAD v4.1: 2 of 1,593,650 alleles (0.00013%); highest among the groups gnomAD compares: South Asian, 0.0011%; no homozygotes.

Submission:

Ambry Genetics
Classification: Uncertain significance for Hereditary cancer-predisposing syndrome. Last evaluated: 2026-02-14. Review status: criteria provided, single submitter. Criteria: Ambry Variant Classification Scheme 2023. Collection method: clinical testing. Allele origin: germline.
Comment: The p.C280F variant (also known as c.839G>T), located in coding exon 3 of the XRCC2 gene, results from a G to T substitution at nucleotide position 839. The cysteine at codon 280 is replaced by phenylalanine, an amino acid with highly dissimilar properties. This amino acid position is conserved. In addition, this alteration is predicted to be tolerated by in silico analysis. Based on the available evidence, the clinical significance of this variant remains unclear.